The following is an entry in ClinVar:

ClinVar aggregate classification (germline): Conflicting classifications of pathogenicity. Review status: criteria provided, conflicting classifications (1 of 4 stars). 5 submissions from 5 submitters: Uncertain significance (1); Likely benign (3). 1 of the submissions does not count toward it. Last evaluated 2025-12-08.

Conditions:
CRPPA-related disorder.
Autosomal recessive limb-girdle muscular dystrophy type 2U. Also called: Muscular dystrophy-dystroglycanopathy (limb-girdle), type c, 7; MUSCULAR DYSTROPHY, LIMB-GIRDLE, TYPE 2U. Identifiers: Orphanet 352479, MedGen C5190987, MONDO:0014474, OMIM 616052.
Muscular dystrophy-dystroglycanopathy (congenital with brain and eye anomalies), type A, 7. Also called: WALKER-WARBURG SYNDROME OR MUSCLE-EYE-BRAIN DISEASE, ISPD-RELATED; Congenital muscular dystrophy-dystroglycanopathy with brain and eye anomalies, type A7. Identifiers: Orphanet 899, MedGen C3553330, MONDO:0013835, OMIM 614643.

Allele frequency attached by ClinVar (database versions not stated): gnomAD exomes 0.00005 and 0.00004; ESP Exome Variant Server 0.00008; ExAC 0.00002; gnomAD 0.00002; TOPMed 0.00002.
gnomAD v4.1: 78 of 1,613,910 alleles (0.0048%); highest among the groups gnomAD compares: Admixed American, 0.0067%; no homozygotes.

Submissions (5):

Labcorp Genetics (formerly Invitae), Labcorp
Classification: Likely benign for Muscular dystrophy-dystroglycanopathy (congenital with brain and eye anomalies), type A, 7; Autosomal recessive limb-girdle muscular dystrophy type 2U. Last evaluated: 2025-12-08. Review status: criteria provided, single submitter. Criteria: Invitae Variant Classification Sherloc (09022015). Collection method: clinical testing. Allele origin: germline.

Mayo Clinic Laboratories, Mayo Clinic
Classification: Likely benign. Last evaluated: 2025-09-04. Review status: criteria provided, single submitter. Criteria: ACMG Guidelines, 2015. Collection method: clinical testing. Allele origin: germline. Observed: 1 variant allele.
Comment: BP4, BP7

Blueprint Genetics
Classification: Likely benign. Last evaluated: 2023-08-25. Review status: criteria provided, single submitter. Criteria: ACMG Guidelines, 2015. Collection method: clinical testing. Allele origin: germline.

Eurofins Ntd Llc (ga)
Classification: Uncertain significance. Last evaluated: 2016-08-04. Review status: criteria provided, single submitter. Criteria: EGL Classification Definitions 2015. Collection method: clinical testing. Allele origin: germline. Observed: 1 variant allele, 1 heterozygote.

PreventionGenetics, part of Exact Sciences
Classification: Likely benign for CRPPA-related condition. Last evaluated: 2022-01-25. Review status: no assertion criteria provided. Collection method: clinical testing. Allele origin: germline. Not counted in ClinVar's aggregate classification.
Comment: This variant is classified as likely benign based on ACMG/AMP sequence variant interpretation guidelines (Richards et al. 2015 PMID: 25741868, with internal and published modifications).

NM_001101426.4(CRPPA):c.402A>G (p.Leu134=)

Gene: CRPPA (CDP-L-ribitol pyrophosphorylase A; minus strand). Cytogenetic location: 7p21.2.
Variant type: single nucleotide variant.
Coding change: c.402A>G on transcript NM_001101426.4 (MANE Select); coding-DNA position 402, A replaced by G.
Protein change: p.Leu134=; no amino-acid change (leucine 134 retained).
Molecular consequence: synonymous variant. On other transcripts: non-coding transcript variant (1).
Genome position (GRCh38, 1-based): chr7:16,406,193, T>C on the plus strand (A>G on the coding strand, the complement: CRPPA is on the minus strand). VCF-style: chr7-16406193-T-C. GRCh37 (hg19) VCF-style: chr7-16445818-T-C.
Other names: p.Leu134=; c.402A>G, p.Leu134= (NM_001101417.4, NM_001368197.1); c.402A>G (NM_001101426.3).
Identifiers: ClinVar variation 289640 (VCV000289640.13), dbSNP rs368815582, ClinGen allele CA4169612.